The following is an entry in ClinVar:

ClinVar aggregate classification (germline): Uncertain significance. Review status: criteria provided, multiple submitters, no conflicts (2 of 4 stars). 2 submissions from 2 submitters: Uncertain significance (2). Last evaluated 2025-10-10.

Conditions:
Inborn genetic diseases. Identifiers: MedGen C0950123, MeSH D030342.
Neuropathy, hereditary sensory, type 1F. Also called: HSN IF; Hereditary sensory neuropathy type IF. Identifiers: Orphanet 36386, MedGen C3810194, MONDO:0014286, OMIM 615632.

Allele frequency attached by ClinVar (database versions not stated): gnomAD exomes 0.00001 and 0.00002; ExAC 0.00002; gnomAD 0.00002 and 0.00003; TOPMed 0.00003; ESP Exome Variant Server 0.00017.
gnomAD v4.1: 18 of 1,614,212 alleles (0.0011%); highest among the groups gnomAD compares: African/African-American, 0.0053%; no homozygotes.

Submissions (2):

Labcorp Genetics (formerly Invitae), Labcorp
Classification: Uncertain significance for Neuropathy, hereditary sensory, type 1F. Last evaluated: 2025-10-10. Review status: criteria provided, single submitter. Criteria: Invitae Variant Classification Sherloc (09022015). Collection method: clinical testing. Allele origin: germline.
Comment: This sequence change replaces arginine, which is basic and polar, with cysteine, which is neutral and slightly polar, at codon 412 of the ATL3 protein (p.Arg412Cys). This variant is present in population databases (rs375618827, gnomAD 0.01%). This variant has not been reported in the literature in individuals affected with ATL3-related conditions. ClinVar contains an entry for this variant (Variation ID: 1036470). Invitae Evidence Modeling of protein sequence and biophysical properties (such as structural, functional, and spatial information, amino acid conservation, physicochemical variation, residue mobility, and thermodynamic stability) indicates that this missense variant is not expected to disrupt ATL3 protein function with a negative predictive value of 80%. In summary, the available evidence is currently insufficient to determine the role of this variant in disease. Therefore, it has been classified as a Variant of Uncertain Significance.

Ambry Genetics
Classification: Uncertain significance for Inborn genetic diseases. Last evaluated: 2023-08-23. Review status: criteria provided, single submitter. Criteria: Ambry Variant Classification Scheme 2023. Collection method: clinical testing. Allele origin: germline.

NM_015459.5(ATL3):c.1234C>T (p.Arg412Cys)

Genes: ATL3 (atlastin GTPase 3; minus strand), LNCROPM (lncRNA regulator of PLAAT3 mediated phospholipid metabolism; plus strand), LOC126861231 (CDK7 strongly-dependent group 2 enhancer GRCh37_chr11:63398741-63399940; plus strand). Cytogenetic location: 11q13.1.
Variant type: single nucleotide variant.
Coding change: c.1234C>T on transcript NM_015459.5 (MANE Select); coding-DNA position 1234, C replaced by T.
Protein change: p.Arg412Cys; replaces arginine 412 with cysteine.
Molecular consequence: missense variant.
Genome position (GRCh38, 1-based): chr11:63,631,345, G>A on the plus strand (C>T on the coding strand, the complement: ATL3 is on the minus strand). VCF-style: chr11-63631345-G-A. GRCh37 (hg19) VCF-style: chr11-63398817-G-A.
Other names: c.1180C>T, p.Arg394Cys (NM_001290048.2); short protein forms R394C, R412C.
Identifiers: ClinVar variation 1036470 (VCV001036470.11), dbSNP rs375618827, ClinGen allele CA6063556.
Genomic context (GRCh38, chr11:63,631,345, plus strand): 5'-TGTGCTTGCAGAAGTTCTCATATAATTCCTTGATTTCCTCCTCCAGCTCCTGCTGGTAAC[G>A]AAAGCTGAAATCCTTCCCACCCATCTTCTTGGTCTTCTTAAAATGGTCCAGAGCAAGTTG-3'
Protein context (NP_056274.3, residues 402-422): KKMGGKDFSF[Arg412Cys]YQQELEEEIK